The following is an entry in ClinVar:

ClinVar aggregate classification (germline): Uncertain significance (1 of 4 stars; one submission).

Allele frequency attached by ClinVar (database versions not stated): gnomAD exomes 0.00001; ExAC 0.00001; TOPMed 0.00002; gnomAD 0.00001.

Submission:

Labcorp Genetics (formerly Invitae), Labcorp
Classification: Uncertain significance. Last evaluated: 2025-12-14. Review status: criteria provided, single submitter. Criteria: Invitae Variant Classification Sherloc (09022015). Collection method: clinical testing. Allele origin: germline.
Comment: This sequence change replaces alanine, which is neutral and non-polar, with valine, which is neutral and non-polar, at codon 344 of the GATA5 protein (p.Ala344Val). The frequency data for this variant in the population databases is considered unreliable, as metrics indicate poor data quality at this position in the gnomAD database. This variant has not been reported in the literature in individuals affected with GATA5-related conditions. ClinVar contains an entry for this variant (Variation ID: 1360312). Invitae Evidence Modeling of protein sequence and biophysical properties (such as structural, functional, and spatial information, amino acid conservation, physicochemical variation, residue mobility, and thermodynamic stability) indicates that this missense variant is not expected to disrupt GATA5 protein function with a negative predictive value of 80%. In summary, the available evidence is currently insufficient to determine the role of this variant in disease. Therefore, it has been classified as a Variant of Uncertain Significance.

NM_080473.5(GATA5):c.1031C>T (p.Ala344Val)

Gene: GATA5 (GATA binding protein 5; minus strand). Cytogenetic location: 20q13.33.
Variant type: single nucleotide variant.
Coding change: c.1031C>T on transcript NM_080473.5 (MANE Select); coding-DNA position 1031, C replaced by T.
Protein change: p.Ala344Val; replaces alanine 344 with valine.
Molecular consequence: missense variant.
Genome position (GRCh38, 1-based): chr20:62,465,347, G>A on the plus strand (C>T on the coding strand, the complement: GATA5 is on the minus strand). VCF-style: chr20-62465347-G-A. GRCh37 (hg19) VCF-style: chr20-61040403-G-A.
Other names: short protein forms A344V.
Identifiers: ClinVar variation 1360312 (VCV001360312.8), dbSNP rs782087672, ClinGen allele CA9946086.